The following is an entry in ClinVar:

ClinVar aggregate classification (germline): Likely pathogenic (1 of 4 stars; one submission).

Conditions:
Focal segmental glomerulosclerosis 3, susceptibility to (FSGS3). Identifiers: Orphanet 656, MedGen C1842982, MONDO:0011917, OMIM 607832.

Submission:

MVZ Medizinische Genetik Mainz
Classification: Likely pathogenic for Focal segmental glomerulosclerosis 3, susceptibility to. Last evaluated: 2022-03-30. Review status: criteria provided, single submitter. Criteria: UK Practice Guidelines For Variant Classification V4 01 2020. Collection method: clinical testing. Allele origin: germline. Inheritance: Autosomal dominant inheritance. Affected: yes. Observed: 1 variant allele.
Comment: ACMG Criteria: PVS1,PM2_SUP

NM_012120.3(CD2AP):c.1108+1G>T

Gene: CD2AP (CD2 associated protein; plus strand). Cytogenetic location: 6p12.3.
Variant type: single nucleotide variant.
Coding change: c.1108+1G>T on transcript NM_012120.3 (MANE Select); the canonical splice donor site of the intron after coding-DNA position 1108, G replaced by T.
Molecular consequence: splice donor variant.
Genome position (GRCh38, 1-based): chr6:47,582,066, G>T. VCF-style: chr6-47582066-G-T. GRCh37 (hg19) VCF-style: chr6-47549802-G-T.
Identifiers: ClinVar variation 3066210 (VCV003066210.1), dbSNP rs2481298544, ClinGen allele CA363945209.
Genomic context (GRCh38, chr6:47,582,066, plus strand): 5'-CAAAGCCTGAACTGATAGCTGCAGAGAAGAAATATTTTTCTTTAAAGCCTGAAGAAAAGG[G>T]TGAGGCTAATTTTCAACTTTCAAAAAAGCAATTATTTCTTTTATTGTCATTTTAAAGAGA-3'